The following is an entry in ClinVar:

ClinVar aggregate classification (germline): Uncertain significance. Review status: criteria provided, multiple submitters, no conflicts (2 of 4 stars). 2 submissions from 2 submitters: Uncertain significance (2). Last evaluated 2025-07-25.

Conditions:
Malignant hyperthermia, susceptibility to, 1 (MHS1). Also called: Anesthesia related hyperthermia; Malignant hyperpyrexia; Fulminating hyperpyrexia; Pharmacogenic myopathy; RYR1-Related Malignant Hyperthermia Susceptibility; Malignant hyperthermia suceptibility 1. Identifiers: Orphanet 423, MedGen C2930980, MONDO:0007783, OMIM 145600.
RYR1-related disorder. Also called: RYR1-related condition; RYR1-related disorders. Identifiers: MedGen CN239331.

gnomAD v4.1: 3 of 1,613,754 alleles (0.00019%); highest among the groups gnomAD compares: Non-Finnish European, 0.00017%; no homozygotes.

Submissions (2):

Color Diagnostics, LLC DBA Color Health
Classification: Uncertain significance for Malignant hyperthermia, susceptibility to, 1. Last evaluated: 2025-07-25. Review status: criteria provided, single submitter. Criteria: ACMG Guidelines, 2015. Collection method: clinical testing. Allele origin: germline.
Comment: This missense variant replaces glutamine with arginine at codon 2003 of the RYR1 protein. Computational prediction suggests that this variant may not impact protein structure and function. To our knowledge, functional studies have not been reported for this variant. This variant has not been reported in individuals affected with RYR1-related disorders in the literature. This variant has been identified in 2/250150 chromosomes in the general population by the Genome Aggregation Database (gnomAD). The available evidence is insufficient to determine the role of this variant in disease conclusively. Therefore, this variant is classified as a Variant of Uncertain Significance.

Labcorp Genetics (formerly Invitae), Labcorp
Classification: Uncertain significance for RYR1-related disorder. Last evaluated: 2024-06-23. Review status: criteria provided, single submitter. Criteria: Invitae Variant Classification Sherloc (09022015). Collection method: clinical testing. Allele origin: germline.
Comment: This sequence change replaces glutamine, which is neutral and polar, with arginine, which is basic and polar, at codon 2003 of the RYR1 protein (p.Gln2003Arg). This variant is present in population databases (rs754874248, gnomAD 0.002%). This variant has not been reported in the literature in individuals affected with RYR1-related conditions. Advanced modeling of protein sequence and biophysical properties (such as structural, functional, and spatial information, amino acid conservation, physicochemical variation, residue mobility, and thermodynamic stability) performed at Invitae indicates that this missense variant is not expected to disrupt RYR1 protein function with a negative predictive value of 95%. In summary, the available evidence is currently insufficient to determine the role of this variant in disease. Therefore, it has been classified as a Variant of Uncertain Significance.

NM_000540.3(RYR1):c.6008A>G (p.Gln2003Arg)

Gene: RYR1 (ryanodine receptor 1; plus strand). Cytogenetic location: 19q13.2.
Variant type: single nucleotide variant.
Coding change: c.6008A>G on transcript NM_000540.3 (MANE Select); coding-DNA position 6008, A replaced by G.
Protein change: p.Gln2003Arg; replaces glutamine 2003 with arginine.
Molecular consequence: missense variant.
Genome position (GRCh38, 1-based): chr19:38,490,269, A>G. VCF-style: chr19-38490269-A-G. GRCh37 (hg19) VCF-style: chr19-38980909-A-G.
Other names: c.6008A>G, p.Gln2003Arg (NM_001042723.2); short protein forms Q2003R.
Identifiers: ClinVar variation 3713505 (VCV003713505.3).